The following is an entry in ClinVar:

ClinVar aggregate classification (germline): Uncertain significance (1 of 4 stars; one submission).

Conditions:
Nephronophthisis 14 (NPHP14). Identifiers: Orphanet 2318, MedGen C3539071, MONDO:0013916, OMIM 614844.

Allele frequency attached by ClinVar (database versions not stated): gnomAD exomes 0.00001; gnomAD 0.00002; TOPMed 0.00003; ExAC 0.00004; 1000 Genomes Project 30x 0.00016; 1000 Genomes Project 0.00020.
gnomAD v4.1: 19 of 1,613,894 alleles (0.0012%); highest among the groups gnomAD compares: Non-Finnish European, 0.0016%; no homozygotes.

Submission:

Labcorp Genetics (formerly Invitae), Labcorp
Classification: Uncertain significance for Nephronophthisis 14. Last evaluated: 2022-03-26. Review status: criteria provided, single submitter. Criteria: Invitae Variant Classification Sherloc (09022015). Collection method: clinical testing. Allele origin: germline.
Comment: This sequence change replaces glutamine, which is neutral and polar, with histidine, which is basic and polar, at codon 1008 of the ZNF423 protein (p.Gln1008His). This variant is present in population databases (rs145160707, gnomAD 0.006%). This variant has not been reported in the literature in individuals affected with ZNF423-related conditions. Algorithms developed to predict the effect of missense changes on protein structure and function are either unavailable or do not agree on the potential impact of this missense change (SIFT: "Tolerated"; PolyPhen-2: "Possibly Damaging"; Align-GVGD: "Class C0"). Experimental studies have shown that this missense change does not substantially affect ZNF423 function (PMID: 32925911). In summary, the available evidence is currently insufficient to determine the role of this variant in disease. Therefore, it has been classified as a Variant of Uncertain Significance.

Literature cited by the submitters: PubMed 32925911.

NM_001379286.1(ZNF423):c.3048G>C (p.Gln1016His)

Gene: ZNF423 (zinc finger protein 423; minus strand). Cytogenetic location: 16q12.1.
Variant type: single nucleotide variant.
Coding change: c.3048G>C on transcript NM_001379286.1 (MANE Select); coding-DNA position 3048, G replaced by C.
Protein change: p.Gln1016His; replaces glutamine 1016 with histidine.
Molecular consequence: missense variant.
Genome position (GRCh38, 1-based): chr16:49,636,128, C>G on the plus strand (G>C on the coding strand, the complement: ZNF423 is on the minus strand). VCF-style: chr16-49636128-C-G. GRCh37 (hg19) VCF-style: chr16-49670039-C-G.
Other names: c.2844G>C, p.Gln948His (NM_001271620.2); c.2673G>C, p.Gln891His (NM_001330533.2); c.3024G>C, p.Gln1008His (NM_015069.5); short protein forms Q1008H, Q948H, Q1016H, Q891H.
Identifiers: ClinVar variation 2070765 (VCV002070765.1), dbSNP rs145160707, ClinGen allele CA8046392.